The following is an entry in ClinVar:

NM_006084.5(IRF9):c.398G>A (p.Arg133Gln)

Gene: IRF9 (interferon regulatory factor 9; plus strand). Cytogenetic location: 14q12.
Variant type: single nucleotide variant.
Coding change: c.398G>A on transcript NM_006084.5 (MANE Select); coding-DNA position 398, G replaced by A.
Protein change: p.Arg133Gln; replaces arginine 133 with glutamine.
Molecular consequence: missense variant.
Genome position (GRCh38, 1-based): chr14:24,163,411, G>A. VCF-style: chr14-24163411-G-A. GRCh37 (hg19) VCF-style: chr14-24632620-G-A.
Other names: c.398G>A (NM_006084.4); c.398G>A, p.Arg133Gln (NM_001385400.1, NM_001385401.1, NM_001385402.1); short protein forms R133Q.
Identifiers: ClinVar variation 3709782 (VCV003709782.3).

ClinVar aggregate classification (germline): Conflicting classifications of pathogenicity. Review status: criteria provided, conflicting classifications (1 of 4 stars). 2 submissions from 2 submitters: Uncertain significance (1); Likely benign (1). Last evaluated 2025-11-04.

gnomAD v4.1: 45 of 1,613,992 alleles (0.0028%); highest among the groups gnomAD compares: Middle Eastern, 0.033%; no homozygotes.

Submissions (2):

Labcorp Genetics (formerly Invitae), Labcorp
Classification: Uncertain significance. Last evaluated: 2025-11-04. Review status: criteria provided, single submitter. Criteria: Invitae Variant Classification Sherloc (09022015). Collection method: clinical testing. Allele origin: germline.
Comment: This sequence change replaces arginine, which is basic and polar, with glutamine, which is neutral and polar, at codon 133 of the IRF9 protein (p.Arg133Gln). This variant is present in population databases (rs368719985, gnomAD 0.05%). This variant has not been reported in the literature in individuals affected with IRF9-related conditions. ClinVar contains an entry for this variant (Variation ID: 3709782). An algorithm developed to predict the effect of missense changes on protein structure and function outputs the following: PolyPhen-2: "Benign". The glutamine amino acid residue is found in multiple mammalian species, which suggests that this missense change does not adversely affect protein function. In summary, the available evidence is currently insufficient to determine the role of this variant in disease. Therefore, it has been classified as a Variant of Uncertain Significance.

Ambry Genetics
Classification: Likely benign. Last evaluated: 2025-02-05. Review status: criteria provided, single submitter. Criteria: Ambry Variant Classification Scheme 2023. Collection method: clinical testing. Allele origin: germline.